The following is an entry in ClinVar:

NM_015046.7(SETX):c.7157T>C (p.Ile2386Thr)

Gene: SETX (senataxin; minus strand). Cytogenetic location: 9q34.13.
Variant type: single nucleotide variant.
Coding change: c.7157T>C on transcript NM_015046.7 (MANE Select); coding-DNA position 7157, T replaced by C.
Protein change: p.Ile2386Thr; replaces isoleucine 2386 with threonine.
Molecular consequence: missense variant.
Genome position (GRCh38, 1-based): chr9:132,271,752, A>G on the plus strand (T>C on the coding strand, the complement: SETX is on the minus strand). VCF-style: chr9-132271752-A-G. GRCh37 (hg19) VCF-style: chr9-135147139-A-G.
Other names: c.7157T>C, p.Ile2386Thr (NM_001351527.2, NM_001351528.2); short protein forms I2386T.
Identifiers: ClinVar variation 805434 (VCV000805434.6), dbSNP rs201887051, ClinGen allele CA5296492.

ClinVar aggregate classification (germline): Uncertain significance. Review status: criteria provided, multiple submitters, no conflicts (2 of 4 stars). 5 submissions from 4 submitters: Uncertain significance (5). Last evaluated 2025-11-06.

Conditions:
Spinocerebellar ataxia, autosomal recessive, with axonal neuropathy 2 (SCAN2). Also called: Ataxia with Oculomotor Apraxia; Ataxia with Oculomotor Apraxia Type 2; Ataxia-ocular apraxia-2; ATAXIA-OCULOMOTOR APRAXIA 2. Identifiers: Orphanet 64753, MedGen C1853761, MONDO:0018996, OMIM 606002.
Amyotrophic lateral sclerosis type 4 (ALS4). Also called: NEURONOPATHY, DISTAL HEREDITARY MOTOR, WITH PYRAMIDAL FEATURES; AMYOTROPHIC LATERAL SCLEROSIS 4, JUVENILE. Identifiers: Orphanet 357043, MedGen C1865409, MONDO:0011223, OMIM 602433.

Allele frequency attached by ClinVar (database versions not stated): gnomAD exomes below 0.00001 and 0.00001; ExAC 0.00001; gnomAD 0.00001; 1000 Genomes Project 30x 0.00016; 1000 Genomes Project 0.00020.
gnomAD v4.1: 11 of 1,614,184 alleles (0.00068%); highest among the groups gnomAD compares: Non-Finnish European, 0.00093%; no homozygotes.

Submissions (5):

Labcorp Genetics (formerly Invitae), Labcorp
Classification: Uncertain significance for Amyotrophic lateral sclerosis type 4; Spinocerebellar ataxia, autosomal recessive, with axonal neuropathy 2. Last evaluated: 2025-11-06. Review status: criteria provided, single submitter. Criteria: Invitae Variant Classification Sherloc (09022015). Collection method: clinical testing. Allele origin: germline.
Comment: This sequence change replaces isoleucine, which is neutral and non-polar, with threonine, which is neutral and polar, at codon 2386 of the SETX protein (p.Ile2386Thr). This variant is present in population databases (rs201887051, gnomAD 0.0009%). This missense change has been observed in individual(s) with ataxia with oculomotor apraxia type 2 (PMID: 19696032). ClinVar contains an entry for this variant (Variation ID: 805434). Invitae Evidence Modeling of protein sequence and biophysical properties (such as structural, functional, and spatial information, amino acid conservation, physicochemical variation, residue mobility, and thermodynamic stability) has been performed for this missense variant. However, the output from this modeling did not meet the statistical confidence thresholds required to predict the impact of this variant on SETX protein function. In summary, the available evidence is currently insufficient to determine the role of this variant in disease. Therefore, it has been classified as a Variant of Uncertain Significance.

Genome-Nilou Lab
Classification: Uncertain significance for Spinocerebellar ataxia, autosomal recessive, with axonal neuropathy 2. Last evaluated: 2023-02-08. Review status: criteria provided, single submitter. Criteria: ACMG Guidelines, 2015. Collection method: clinical testing. Allele origin: germline.

Genome-Nilou Lab
Classification: Uncertain significance for Amyotrophic lateral sclerosis type 4. Last evaluated: 2023-02-08. Review status: criteria provided, single submitter. Criteria: ACMG Guidelines, 2015. Collection method: clinical testing. Allele origin: germline.

Women's Health and Genetics/Laboratory Corporation of America, LabCorp
Classification: Uncertain significance. Last evaluated: 2022-08-11. Review status: criteria provided, single submitter. Criteria: LabCorp Variant Classification Summary - May 2015. Collection method: clinical testing. Allele origin: germline.
Comment: Variant summary: SETX c.7157T>C (p.Ile2386Thr) results in a non-conservative amino acid change located in the DNA2/NAM7 helicase-like, C-terminal domain (IPR041679) of the encoded protein sequence. Five of five in-silico tools predict a damaging effect of the variant on protein function. The variant allele was found at a frequency of 4e-06 in 251486 control chromosomes (gnomAD). The available data on variant occurrences in the general population are insufficient to allow any conclusion about variant significance. c.7157T>C has been reported in the literature in an individual with a diagnosis for Ataxia with oculomotor apraxia type 2 (example: Anheim_2009). This report does not provide unequivocal conclusions about association of the variant with Amyotrophic Lateral Sclerosis Type 4. To our knowledge, no experimental evidence demonstrating an impact on protein function has been reported. One clinical diagnostic laboratory has submitted clinical-significance assessments for this variant to ClinVar after 2014 and classified the variant as uncertain significance. Based on the evidence outlined above, the variant was classified as uncertain significance.

Athena Diagnostics
Classification: Uncertain significance. Last evaluated: 2019-08-09. Review status: criteria provided, single submitter. Criteria: Athena Diagnostics Criteria. Collection method: clinical testing. Allele origin: germline.

Literature cited by the submitters: PubMed 19696032 (cited by 3 submitters); PubMed 23129421 (cited by Women's Health and Genetics/Laboratory Corporation of America, LabCorp and Athena Diagnostics); PubMed 24814856 (cited by Women's Health and Genetics/Laboratory Corporation of America, LabCorp).